The following is an entry in ClinVar:

ClinVar aggregate classification (germline): Pathogenic/Likely pathogenic. Review status: criteria provided, multiple submitters, no conflicts (2 of 4 stars). 4 submissions from 4 submitters: Pathogenic (1); Likely pathogenic (3). Last evaluated 2025-12-23.

Conditions:
Mitochondrial DNA depletion syndrome 6 (hepatocerebral type). Also called: NAVAJO NEUROPATHY; Navajo neurohepatopathy; Mitochondrial DNA depletion syndrome type 6. Identifiers: Orphanet 255229, MedGen C1850406, MONDO:0009747, OMIM 256810.
Charcot-Marie-Tooth disease, axonal, type 2EE. Also called: CHARCOT-MARIE-TOOTH NEUROPATHY, TYPE 2EE. Identifiers: MedGen C5193076, MONDO:0032728, OMIM 618400.
Mitochondrial DNA depletion syndrome, hepatocerebral form. Identifiers: Orphanet 254871, MedGen C3711385, MONDO:0100512.

Allele frequency attached by ClinVar (database versions not stated): gnomAD 0.00001; ExAC 0.00002; gnomAD exomes 0.00002.
gnomAD v4.1: 12 of 1,613,690 alleles (0.00074%); no homozygotes.

Submissions (4):

Labcorp Genetics (formerly Invitae), Labcorp
Classification: Likely pathogenic. Last evaluated: 2025-12-23. Review status: criteria provided, single submitter. Criteria: Invitae Variant Classification Sherloc (09022015). Collection method: clinical testing. Allele origin: germline.
Comment: This sequence change creates a premature translational stop signal (p.Leu143*) in the MPV17 gene. While this is not anticipated to result in nonsense mediated decay, it is expected to disrupt the last 34 amino acid(s) of the MPV17 protein. This variant is present in population databases (rs763400903, gnomAD 0.03%). This premature translational stop signal has been observed in individual(s) with mitochondrial DNA depletion syndrome (PMID: 22964873). ClinVar contains an entry for this variant (Variation ID: 1065949). Algorithms developed to predict the effect of variants on gene product structure and function are not available or were not evaluated for this variant. Experimental studies have shown that this premature translational stop signal affects MPV17 function (PMID: 26437932). This variant disrupts the C-terminus of the MPV17 protein. Other variant(s) that disrupt this region (exon 8 deletion) have been observed in individuals with MPV17-related conditions (PMID: 18695062). This suggests that this may be a clinically significant region of the protein. In summary, the currently available evidence indicates that the variant is pathogenic, but additional data are needed to prove that conclusively. Therefore, this variant has been classified as Likely Pathogenic.

Natera, Inc.
Classification: Likely pathogenic for Mitochondrial DNA depletion syndrome, hepatocerebral form. Last evaluated: 2025-10-10. Review status: criteria provided, single submitter. Criteria: Natera Variant Classification Schema (03/2026). Collection method: clinical testing. Allele origin: germline.
Comment: The c.428T>G variant in MPV17 is a nonsense variant predicted to introduce a stop codon at amino acid 143. This variant is expected to result in nonsense mediated decay, truncation, or a dysfunctional protein product. This variant is rare in the general population with a frequency below the threshold expected for the associated phenotype(s). Given the available evidence, this variant is classified as Likely Pathogenic.

Baylor Genetics
Classification: Pathogenic for Charcot-Marie-Tooth disease, axonal, type 2EE. Last evaluated: 2024-01-27. Review status: criteria provided, single submitter. Criteria: ACMG Guidelines, 2015. Collection method: clinical testing. Allele origin: unknown.

Fulgent Genetics
Classification: Likely pathogenic for Mitochondrial DNA depletion syndrome 6 (hepatocerebral type); Charcot-Marie-Tooth disease, axonal, type 2EE. Last evaluated: 2022-03-01. Review status: criteria provided, single submitter. Criteria: ACMG Guidelines, 2015. Collection method: clinical testing. Allele origin: unknown.

Literature cited by the submitters: PubMed 22964873 (cited by Labcorp Genetics (formerly Invitae), Labcorp); PubMed 26437932 (cited by Labcorp Genetics (formerly Invitae), Labcorp); PubMed 18695062 (cited by Labcorp Genetics (formerly Invitae), Labcorp).

NM_002437.5(MPV17):c.428T>G (p.Leu143Ter)

Gene: MPV17 (mitochondrial inner membrane protein MPV17; minus strand). Cytogenetic location: 2p23.3.
Variant type: single nucleotide variant.
Coding change: c.428T>G on transcript NM_002437.5 (MANE Select); coding-DNA position 428, T replaced by G.
Protein change: p.Leu143Ter; replaces leucine 143 with a stop codon.
Molecular consequence: nonsense.
Genome position (GRCh38, 1-based): chr2:27,311,932, A>C on the plus strand (T>G on the coding strand, the complement: MPV17 is on the minus strand). VCF-style: chr2-27311932-A-C. GRCh37 (hg19) VCF-style: chr2-27534800-A-C.
Other names: c.428T>G (NM_002437.4); short protein forms L143*.
Identifiers: ClinVar variation 1065949 (VCV001065949.11), dbSNP rs763400903, ClinGen allele CA1575514.